The following is an entry in ClinVar:

ClinVar aggregate classification (germline): Uncertain significance (1 of 4 stars; one submission).

Conditions:
Cardiovascular phenotype. Identifiers: MedGen CN230736.

gnomAD v4.1: 13 of 1,545,776 alleles (0.00084%); highest among the groups gnomAD compares: South Asian, 0.0012%; no homozygotes.

Submission:

Ambry Genetics
Classification: Uncertain significance for Cardiovascular phenotype. Last evaluated: 2025-12-18. Review status: criteria provided, single submitter. Criteria: Ambry Variant Classification Scheme 2023. Collection method: clinical testing. Allele origin: germline.
Comment: The p.R623W variant (also known as c.1867C>T), located in coding exon 15 of the ENG gene, results from a C to T substitution at nucleotide position 1867. The arginine at codon 623 is replaced by tryptophan, an amino acid with dissimilar properties. This amino acid position is conserved. In addition, this alteration is predicted to be tolerated by in silico analysis. Based on the available evidence, the clinical significance of this variant remains unclear.

NM_001114753.3(ENG):c.1867C>T (p.Arg623Trp)

Gene: ENG (endoglin; minus strand). Cytogenetic location: 9q34.11.
Variant type: single nucleotide variant.
Coding change: c.1867C>T on transcript NM_001114753.3 (MANE Select); coding-DNA position 1867, C replaced by T.
Protein change: p.Arg623Trp; replaces arginine 623 with tryptophan.
Molecular consequence: missense variant. On other transcripts: 3 prime UTR variant (1).
Genome position (GRCh38, 1-based): chr9:127,815,792, G>A on the plus strand (C>T on the coding strand, the complement: ENG is on the minus strand). VCF-style: chr9-127815792-G-A. GRCh37 (hg19) VCF-style: chr9-130578071-G-A.
Other names: c.*125C>T (NM_000118.4); c.1321C>T, p.Arg441Trp (NM_001278138.2); short protein forms R441W, R623W.
Identifiers: ClinVar variation 4837075 (VCV004837075.1).